The following is an entry in ClinVar:

ClinVar aggregate classification (germline): Uncertain significance (1 of 4 stars; one submission).

Conditions:
Combined oxidative phosphorylation defect type 27. Also called: Combined oxidative phosphorylation deficiency 27. Identifiers: Orphanet 477774, MedGen C5567608, MONDO:0014728, OMIM 616672.

Allele frequency attached by ClinVar (database versions not stated): gnomAD exomes below 0.00001; TOPMed below 0.00001; gnomAD 0.00001.
gnomAD v4.1: 4 of 1,613,454 alleles (0.00025%); highest among the groups gnomAD compares: Non-Finnish European, 0.00034%; no homozygotes.

Submission:

Labcorp Genetics (formerly Invitae), Labcorp
Classification: Uncertain significance for Combined oxidative phosphorylation defect type 27. Last evaluated: 2022-04-03. Review status: criteria provided, single submitter. Criteria: Invitae Variant Classification Sherloc (09022015). Collection method: clinical testing. Allele origin: germline.
Comment: Variants that disrupt the consensus splice site are a relatively common cause of aberrant splicing (PMID: 17576681, 9536098). Algorithms developed to predict the effect of sequence changes on RNA splicing suggest that this variant may disrupt the consensus splice site. This variant has not been reported in the literature in individuals affected with CARS2-related conditions. This variant is not present in population databases (gnomAD no frequency). This sequence change falls in intron 8 of the CARS2 gene. It does not directly change the encoded amino acid sequence of the CARS2 protein. It affects a nucleotide within the consensus splice site. In summary, the available evidence is currently insufficient to determine the role of this variant in disease. Therefore, it has been classified as a Variant of Uncertain Significance.

Literature cited by the submitters: PubMed 17576681; PubMed 9536098.

NM_024537.4(CARS2):c.920-3C>G

Gene: CARS2 (cysteinyl-tRNA synthetase 2, mitochondrial; minus strand). Cytogenetic location: 13q34.
Variant type: single nucleotide variant.
Coding change: c.920-3C>G on transcript NM_024537.4 (MANE Select); 3 bases into the intron before coding-DNA position 920, C replaced by G.
Molecular consequence: intron variant. On other transcripts: 3 prime UTR variant (1).
Genome position (GRCh38, 1-based): chr13:110,663,521, G>C on the plus strand (C>G on the coding strand, the complement: CARS2 is on the minus strand). VCF-style: chr13-110663521-G-C. GRCh37 (hg19) VCF-style: chr13-111315868-G-C.
Other names: c.*389C>G (NM_001352253.3); c.134-3C>G (NM_001352252.2).
Identifiers: ClinVar variation 1956499 (VCV001956499.5), dbSNP rs2062566848, ClinGen allele CA960204189.